The following is an entry in ClinVar:

NM_001457.4(FLNB):c.419C>T (p.Thr140Met)

Gene: FLNB (filamin B; plus strand). Cytogenetic location: 3p14.3.
Variant type: single nucleotide variant.
Coding change: c.419C>T on transcript NM_001457.4 (MANE Select); coding-DNA position 419, C replaced by T.
Protein change: p.Thr140Met; replaces threonine 140 with methionine.
Molecular consequence: missense variant.
Genome position (GRCh38, 1-based): chr3:58,077,172, C>T. VCF-style: chr3-58077172-C-T. GRCh37 (hg19) VCF-style: chr3-58062899-C-T.
Other names: c.419C>T, p.Thr140Met (NM_001164317.2, NM_001164318.2, NM_001164319.2); c.419C>T (NM_001457.3); short protein forms T140M.
Identifiers: ClinVar variation 1918405 (VCV001918405.8), dbSNP rs748857986, ClinGen allele CA2467523.

ClinVar aggregate classification (germline): Uncertain significance. Review status: criteria provided, multiple submitters, no conflicts (2 of 4 stars). 2 submissions from 2 submitters: Uncertain significance (2). Last evaluated 2025-03-09.

Allele frequency attached by ClinVar (database versions not stated): ExAC 0.00001; gnomAD exomes 0.00001.
gnomAD v4.1: 21 of 1,614,006 alleles (0.0013%); highest among the groups gnomAD compares: Admixed American, 0.015%; no homozygotes.

Submissions (2):

Labcorp Genetics (formerly Invitae), Labcorp
Classification: Uncertain significance. Last evaluated: 2025-03-09. Review status: criteria provided, single submitter. Criteria: Invitae Variant Classification Sherloc (09022015). Collection method: clinical testing. Allele origin: germline.
Comment: This sequence change replaces threonine, which is neutral and polar, with methionine, which is neutral and non-polar, at codon 140 of the FLNB protein (p.Thr140Met). This variant is present in population databases (rs748857986, gnomAD 0.01%). This variant has not been reported in the literature in individuals affected with FLNB-related conditions. ClinVar contains an entry for this variant (Variation ID: 1918405). Invitae Evidence Modeling of protein sequence and biophysical properties (such as structural, functional, and spatial information, amino acid conservation, physicochemical variation, residue mobility, and thermodynamic stability) indicates that this missense variant is not expected to disrupt FLNB protein function with a negative predictive value of 95%. In summary, the available evidence is currently insufficient to determine the role of this variant in disease. Therefore, it has been classified as a Variant of Uncertain Significance.

Revvity Omics, Revvity
Classification: Uncertain significance. Last evaluated: 2024-06-20. Review status: criteria provided, single submitter. Criteria: ACMG Guidelines, 2015. Collection method: clinical testing. Allele origin: germline.